The following is an entry in ClinVar:

ClinVar aggregate classification (germline): Uncertain significance (1 of 4 stars; one submission).

Conditions:
Autosomal dominant limb-girdle muscular dystrophy type 1D (DNAJB6) (LGMDD1). Also called: MUSCULAR DYSTROPHY, LIMB-GIRDLE, TYPE 1D; Autosomal dominant limb-girdle muscular dystrophy type 1D; Muscular dystrophy, limb-girdle, autosomal dominant 1; MUSCULAR DYSTROPHY, AUTOSOMAL DOMINANT, WITH RIMMED VACUOLES. Identifiers: Orphanet 34516, MedGen C4721885, MONDO:0021018, OMIM 603511.

gnomAD v4.1: 2 of 1,533,324 alleles (0.00013%); highest among the groups gnomAD compares: Non-Finnish European, 0.00017%; no homozygotes.

Submission:

Labcorp Genetics (formerly Invitae), Labcorp
Classification: Uncertain significance for Autosomal dominant limb-girdle muscular dystrophy type 1D (DNAJB6). Last evaluated: 2022-06-24. Review status: criteria provided, single submitter. Criteria: Invitae Variant Classification Sherloc (09022015). Collection method: clinical testing. Allele origin: germline.
Comment: In summary, the available evidence is currently insufficient to determine the role of this variant in disease. Therefore, it has been classified as a Variant of Uncertain Significance. Algorithms developed to predict the effect of missense changes on protein structure and function output the following: SIFT: "Tolerated"; PolyPhen-2: "Not Available"; Align-GVGD: "Class C0". The serine amino acid residue is found in multiple mammalian species, which suggests that this missense change does not adversely affect protein function. This variant has not been reported in the literature in individuals affected with DNAJB6-related conditions. This variant is not present in population databases (gnomAD no frequency). This sequence change replaces glycine, which is neutral and non-polar, with serine, which is neutral and polar, at codon 256 of the DNAJB6 protein (p.Gly256Ser).

NM_058246.4(DNAJB6):c.766G>A (p.Gly256Ser)

Gene: DNAJB6 (DnaJ heat shock protein family (Hsp40) member B6; plus strand). Cytogenetic location: 7q36.3.
Variant type: single nucleotide variant.
Coding change: c.766G>A on transcript NM_058246.4 (MANE Select); coding-DNA position 766, G replaced by A.
Protein change: p.Gly256Ser; replaces glycine 256 with serine.
Molecular consequence: missense variant.
Genome position (GRCh38, 1-based): chr7:157,409,869, G>A. VCF-style: chr7-157409869-G-A. GRCh37 (hg19) VCF-style: chr7-157202563-G-A.
Other names: c.421G>A, p.Gly141Ser (NM_001363676.1); short protein forms G141S, G256S.
Identifiers: ClinVar variation 2010254 (VCV002010254.4), dbSNP rs2116649710, ClinGen allele CA370167291.
Genomic context (GRCh38, chr7:157,409,869, plus strand): 5'-GATGCCCTCGCTGAGGAGCGCATGCGGAGAGGCCAGAACGCCCTGCCAGCCCAGCCTGCC[G>A]GCCTCCGCCCGCCGAAGCCGCCCCGGCCTGCCTCGCTGCTGAGACACGCGCCTCACTGTC-3'
Protein context (NP_490647.1, residues 246-266): GQNALPAQPA[Gly256Ser]LRPPKPPRPA